The following is an entry in ClinVar:

NM_020821.3(VPS13C):c.6257C>T (p.Thr2086Ile)

Gene: VPS13C (vacuolar protein sorting 13 homolog C; minus strand). Cytogenetic location: 15q22.2.
Variant type: single nucleotide variant.
Coding change: c.6257C>T on transcript NM_020821.3 (MANE Select); coding-DNA position 6257, C replaced by T.
Protein change: p.Thr2086Ile; replaces threonine 2086 with isoleucine.
Molecular consequence: missense variant.
Genome position (GRCh38, 1-based): chr15:61,929,530, G>A on the plus strand (C>T on the coding strand, the complement: VPS13C is on the minus strand). VCF-style: chr15-61929530-G-A. GRCh37 (hg19) VCF-style: chr15-62221729-G-A.
Other names: c.6257C>T, p.Thr2086Ile (NM_001018088.3); c.6128C>T, p.Thr2043Ile (NM_017684.5, NM_018080.4); short protein forms T2043I, T2086I.
Identifiers: ClinVar variation 1500156 (VCV001500156.8), dbSNP rs1320570952, ClinGen allele CA392687192.

ClinVar aggregate classification (germline): Uncertain significance (1 of 4 stars; one submission).

Allele frequency attached by ClinVar (database versions not stated): gnomAD exomes below 0.00001; TOPMed below 0.00001.
gnomAD v4.1: 3 of 1,613,974 alleles (0.00019%); highest among the groups gnomAD compares: South Asian, 0.0022%; no homozygotes.

Submission:

Labcorp Genetics (formerly Invitae), Labcorp
Classification: Uncertain significance. Last evaluated: 2021-06-25. Review status: criteria provided, single submitter. Criteria: Invitae Variant Classification Sherloc (09022015). Collection method: clinical testing. Allele origin: germline.
Comment: Algorithms developed to predict the effect of missense changes on protein structure and function output the following: SIFT: "Tolerated"; PolyPhen-2: "Benign"; Align-GVGD: "Class C0". The isoleucine amino acid residue is found in multiple mammalian species, suggesting that this missense change does not adversely affect protein function. These predictions have not been confirmed by published functional studies and their clinical significance is uncertain. In summary, the available evidence is currently insufficient to determine the role of this variant in disease. Therefore, it has been classified as a Variant of Uncertain Significance. This variant has not been reported in the literature in individuals with VPS13C-related conditions. This variant is not present in population databases (ExAC no frequency). This sequence change replaces threonine with isoleucine at codon 2086 of the VPS13C protein (p.Thr2086Ile). The threonine residue is moderately conserved and there is a moderate physicochemical difference between threonine and isoleucine.